The following is an entry in ClinVar:

ClinVar aggregate classification (germline): Pathogenic/Likely pathogenic. Review status: no assertion criteria provided (0 of 4 stars). 3 submissions from 3 submitters: Pathogenic (2); Likely pathogenic (1). Last evaluated 2024-02-23.

Conditions:
COL2A1-related disorder. Also called: COL2A1-related condition; COL2A1-related disorders.

Submissions (3):

PreventionGenetics, part of Exact Sciences
Classification: Likely pathogenic for COL2A1-related condition. Last evaluated: 2024-02-23. Review status: no assertion criteria provided. Collection method: clinical testing. Allele origin: germline.
Comment: The COL2A1 c.1435C>T variant is predicted to result in premature protein termination (p.Gln479*). This variant was reported, de novo, in an individual with high myopia, retrognathia and photobia (Table S1, Haarman et al. 2022. PubMed ID: 35567543). This variant has not been reported in a large population database, indicating this variant is rare. Nonsense variants in COL2A1 are expected to be pathogenic. This variant is interpreted as likely pathogenic.

Clinical Genetics DNA and cytogenetics Diagnostics Lab, Erasmus MC, Erasmus Medical Center
Classification: Pathogenic. Review status: no assertion criteria provided. Collection method: clinical testing. Allele origin: germline. Affected: yes. Study: VKGL Data-share Consensus.

Joint Genome Diagnostic Labs from Nijmegen and Maastricht, Radboudumc and MUMC+
Classification: Pathogenic. Review status: no assertion criteria provided. Collection method: clinical testing. Allele origin: germline. Affected: yes. Study: VKGL Data-share Consensus.

NM_001844.5(COL2A1):c.1435C>T (p.Gln479Ter)

Gene: COL2A1 (collagen type II alpha 1 chain; minus strand). Cytogenetic location: 12q13.11.
Variant type: single nucleotide variant.
Coding change: c.1435C>T on transcript NM_001844.5 (MANE Select); coding-DNA position 1435, C replaced by T.
Protein change: p.Gln479Ter; replaces glutamine 479 with a stop codon.
Molecular consequence: nonsense.
Genome position (GRCh38, 1-based): chr12:47,986,428, G>A on the plus strand (C>T on the coding strand, the complement: COL2A1 is on the minus strand). VCF-style: chr12-47986428-G-A. GRCh37 (hg19) VCF-style: chr12-48380211-G-A.
Other names: c.1228C>T, p.Gln410Ter (NM_033150.3); c.1435C>T (NM_001844.4); short protein forms Q410*, Q479*.
Identifiers: ClinVar variation 1297653 (VCV001297653.5), dbSNP rs2136571484, ClinGen allele CA384552896.